The following is an entry in ClinVar:

ClinVar aggregate classification (germline): Uncertain significance (1 of 4 stars; one submission).

Conditions:
Cardiovascular phenotype. Identifiers: MedGen CN230736.

Allele frequency attached by ClinVar (database versions not stated): gnomAD exomes below 0.00001; gnomAD 0.00001.
gnomAD v4.1: 2 of 1,613,572 alleles (0.00012%); highest among the groups gnomAD compares: East Asian, 0.0022%; no homozygotes.

Submission:

Ambry Genetics
Classification: Uncertain significance for Cardiovascular phenotype. Last evaluated: 2020-03-25. Review status: criteria provided, single submitter. Criteria: Ambry Variant Classification Scheme 2023. Collection method: clinical testing. Allele origin: germline.
Comment: The c.7965+3A>G intronic variant results from an A to G substitution 3 nucleotides after coding exon 52 in the RYR2 gene. This nucleotide position is not well conserved in available vertebrate species. Using the BDGP and ESEfinder splice site prediction tools, this alteration is predicted to weaken the efficiency of the native splice donor site; however, direct evidence is unavailable. Since supporting evidence is limited at this time, the clinical significance of this alteration remains unclear.

NM_001035.3(RYR2):c.7965+3A>G

Gene: RYR2 (ryanodine receptor 2; plus strand). Cytogenetic location: 1q43.
Variant type: single nucleotide variant.
Coding change: c.7965+3A>G on transcript NM_001035.3 (MANE Select); 3 bases into the intron after coding-DNA position 7965, A replaced by G.
Molecular consequence: intron variant.
Genome position (GRCh38, 1-based): chr1:237,654,417, A>G. VCF-style: chr1-237654417-A-G. GRCh37 (hg19) VCF-style: chr1-237817717-A-G.
Identifiers: ClinVar variation 1761412 (VCV001761412.2), dbSNP rs1465798100, ClinGen allele CA529547124.